The following is an entry in ClinVar:

ClinVar aggregate classification (germline): Likely pathogenic (1 of 4 stars; one submission).

Submission:

Labcorp Genetics (formerly Invitae), Labcorp
Classification: Likely pathogenic. Last evaluated: 2021-03-14. Review status: criteria provided, single submitter. Criteria: Invitae Variant Classification Sherloc (09022015). Collection method: clinical testing. Allele origin: germline.
Comment: This variant, c.1347_1382del, results in the deletion of 12 amino acid(s) of the MYCN protein (p.Gln451_Arg462del), but otherwise preserves the integrity of the reading frame. This variant is not present in population databases (ExAC no frequency). This variant has been observed in individual(s) with Feingold syndrome (Invitae). In at least one individual the variant was observed to be de novo. In summary, the currently available evidence indicates that the variant is pathogenic, but additional data are needed to prove that conclusively. Therefore, this variant has been classified as Likely Pathogenic.

NM_005378.6(MYCN):c.1347_1382del (p.Gln451_Arg462del)

Gene: MYCN (MYCN proto-oncogene, bHLH transcription factor; plus strand). Cytogenetic location: 2p24.3.
Variant type: Deletion.
Coding change: c.1347_1382del on transcript NM_005378.6 (MANE Select); coding-DNA positions 1347 to 1382, 36 bases deleted.
Protein change: p.Gln451_Arg462del.
Molecular consequence: inframe deletion. On other transcripts: 3 prime UTR variant (1).
Genome position (GRCh38, 1-based): chr2:15,946,049-15,946,084, 36 bases deleted; deleting any 36 consecutive bases within chr2:15,946,047-15,946,084 gives the same sequence; the c. name uses the placement nearest the transcript's 3' end. GRCh37 (hg19): chr2:16,086,171-16,086,206.
Other names: c.1347_1382del, p.Gln451_Arg462del (NM_001293228.2); c.714_749del, p.Gln240_Arg251del (NM_001293231.2); c.*1282_*1317del (NM_001293233.2).
Identifiers: ClinVar variation 1516332 (VCV001516332.8), dbSNP rs2103332022, ClinGen allele CA2573133089.